The following is an entry in ClinVar:

NC_000013.10:g.(?_32905036)_(32907544_?)del

Gene: BRCA2 (BRCA2 DNA repair associated; plus strand). Cytogenetic location: 13q13.1.
Variant type: Deletion.
Identifiers: ClinVar variation 3244174 (VCV003244174.1).

ClinVar aggregate classification (germline): Pathogenic (1 of 4 stars; one submission).

Conditions:
Hereditary breast ovarian cancer syndrome. Also called: Hereditary breast and ovarian cancer syndrome; Hereditary breast and ovarian cancer; Hereditary breast and ovarian cancer syndrome (HBOC); Breast and ovarian cancer; Hereditary breast and/or ovarian cancer syndrome; BRCA1- and BRCA2-Associated Hereditary Breast and Ovarian Cancer. Identifiers: Orphanet 145, MedGen C0677776, MeSH D061325, MONDO:0003582. Disease mechanism: loss of function.

Submission:

Labcorp Genetics (formerly Invitae), Labcorp
Classification: Pathogenic for Hereditary breast ovarian cancer syndrome. Last evaluated: 2023-06-27. Review status: criteria provided, single submitter. Criteria: Invitae Variant Classification Sherloc (09022015). Collection method: clinical testing. Allele origin: unknown.
Comment: For these reasons, this variant has been classified as Pathogenic. A similar copy number variant has been observed in individual(s) with a personal or family history of breast and/or ovarian cancer (PMID: 24156927). This variant is a gross deletion of the genomic region encompassing exon(s) 9-10 of the BRCA2 gene. This deletion is out-of-frame, and is expected to create a premature termination codon and result in an absent or disrupted protein product. Loss-of-function variants in BRCA2 are known to be pathogenic (PMID: 20104584).

Literature cited by the submitters: PubMed 24156927; PubMed 20104584.